The following is an entry in ClinVar:

ClinVar aggregate classification (germline): Uncertain significance. Review status: criteria provided, multiple submitters, no conflicts (2 of 4 stars). 2 submissions from 2 submitters: Uncertain significance (2). Last evaluated 2022-03-01.

Conditions:
Inborn glycerol kinase deficiency. Also called: GK DEFICIENCY; GK1 DEFICIENCY; Deficiency of glycerol kinase; Hyperglycerolemia. Identifiers: Orphanet 308993, Orphanet 408, MedGen C0268418, MONDO:0010613, OMIM 307030, HP:0040302.

Submissions (2):

GeneDx
Classification: Uncertain significance. Last evaluated: 2022-03-01. Review status: criteria provided, single submitter. Criteria: GeneDx Variant Classification Process June 2021. Collection method: clinical testing. Allele origin: germline. Affected: yes.
Comment: Not observed at significant frequency in large population cohorts (gnomAD); In silico analysis supports that this missense variant has a deleterious effect on protein structure/function; Has not been previously published as pathogenic or benign to our knowledge

Baylor Genetics
Classification: Uncertain significance for Inborn glycerol kinase deficiency. Last evaluated: 2019-08-23. Review status: criteria provided, single submitter. Criteria: ACMG Guidelines, 2015. Collection method: clinical testing. Allele origin: unknown. Affected: yes.
Comment: This variant was determined to be of uncertain significance according to ACMG Guidelines, 2015 [PMID:25741868].

NM_001205019.2(GK):c.106C>T (p.Leu36Phe)

Gene: GK (glycerol kinase; plus strand). Cytogenetic location: Xp21.2.
Variant type: single nucleotide variant.
Coding change: c.106C>T on transcript NM_001205019.2 (MANE Select); coding-DNA position 106, C replaced by T.
Protein change: p.Leu36Phe; replaces leucine 36 with phenylalanine.
Molecular consequence: missense variant.
Genome position (GRCh38, 1-based): chrX:30,665,538, C>T. VCF-style: chrX-30665538-C-T. GRCh37 (hg19) VCF-style: chrX-30683655-C-T.
Other names: c.106C>T, p.Leu36Phe (NM_000167.6, NM_001128127.3, NM_203391.4); short protein forms L36F.
Identifiers: ClinVar variation 1029689 (VCV001029689.3), dbSNP rs1933013956, ClinGen allele CA412642807.